The following is an entry in ClinVar:

NM_000426.4(LAMA2):c.1701C>T (p.Ile567=)

Gene: LAMA2 (laminin subunit alpha 2; plus strand). Cytogenetic location: 6q22.33.
Variant type: single nucleotide variant.
Coding change: c.1701C>T on transcript NM_000426.4 (MANE Select); coding-DNA position 1701, C replaced by T.
Protein change: p.Ile567=; no amino-acid change (isoleucine 567 retained).
Molecular consequence: synonymous variant.
Genome position (GRCh38, 1-based): chr6:129,192,772, C>T. VCF-style: chr6-129192772-C-T. GRCh37 (hg19) VCF-style: chr6-129513917-C-T.
Other names: p.Ile567=; c.1701C>T, p.Ile567= (NM_001079823.2).
Identifiers: ClinVar variation 193991 (VCV000193991.25), dbSNP rs111381107, ClinGen allele CA200898.

ClinVar aggregate classification (germline): Benign/Likely benign. Review status: criteria provided, multiple submitters, no conflicts (2 of 4 stars). 9 submissions from 9 submitters: Benign (5); Likely benign (2). 2 of the submissions do not count toward it. Last evaluated 2026-01-31.

Conditions:
LAMA2-related muscular dystrophy (LAMA2-RD). Also called: Laminin alpha 2-related dystrophy. Identifiers: MedGen C5679788, MONDO:0100228.
Congenital muscular dystrophy due to partial LAMA2 deficiency. Identifiers: MedGen C1842898.

Allele frequency attached by ClinVar (database versions not stated): gnomAD exomes 0.00078 and 0.00174; ExAC 0.00199; 1000 Genomes Project 30x 0.00515; 1000 Genomes Project 0.00539; gnomAD 0.00608 and 0.00641; TOPMed 0.00651; ESP Exome Variant Server 0.00707.
gnomAD v4.1: 2,185 of 1,614,174 alleles (0.14%); highest among the groups gnomAD compares: African/African-American, 2.1%; 26 homozygotes.

Submissions (9):

Labcorp Genetics (formerly Invitae), Labcorp
Classification: Benign for LAMA2-related muscular dystrophy. Last evaluated: 2026-01-31. Review status: criteria provided, single submitter. Criteria: Invitae Variant Classification Sherloc (09022015). Collection method: clinical testing. Allele origin: germline.

Mayo Clinic Laboratories, Mayo Clinic
Classification: Benign. Last evaluated: 2022-10-20. Review status: criteria provided, single submitter. Criteria: ACMG Guidelines, 2015. Collection method: clinical testing. Allele origin: germline. Observed: 11 variant alleles.

GeneDx
Classification: Benign. Last evaluated: 2018-03-13. Review status: criteria provided, single submitter. Criteria: GeneDx Variant Classification (06012015). Collection method: clinical testing. Allele origin: germline. Affected: yes.
Comment: This variant is considered likely benign or benign based on one or more of the following criteria: it is a conservative change, it occurs at a poorly conserved position in the protein, it is predicted to be benign by multiple in silico algorithms, and/or has population frequency not consistent with disease.

Illumina Laboratory Services, Illumina
Classification: Likely benign for Congenital muscular dystrophy due to partial LAMA2 deficiency. Last evaluated: 2018-01-12. Review status: criteria provided, single submitter. Criteria: ICSL Variant Classification Criteria 13 December 2019. Collection method: clinical testing. Allele origin: germline.
Comment: This variant was observed in the ICSL laboratory as part of a predisposition screen in an ostensibly healthy population. It had not been previously curated by ICSL or reported in the Human Gene Mutation Database (HGMD: prior to June 1st, 2018), and was therefore a candidate for classification through an automated scoring system. Utilizing variant allele frequency, disease prevalence and penetrance estimates, and inheritance mode, an automated score was calculated to assess if this variant is too frequent to cause the disease. Based on the score and internal cut-off values, a variant classified as likely benign is not then subjected to further curation. The score for this variant resulted in a classification of likely benign for this disease.

Eurofins Ntd Llc (ga)
Classification: Benign. Last evaluated: 2014-09-15. Review status: criteria provided, single submitter. Criteria: EGL Classification Definitions 2015. Collection method: clinical testing. Allele origin: germline. Observed: 1 variant allele, 1 heterozygote.

Breakthrough Genomics
Classification: Likely benign. Review status: criteria provided, single submitter. Criteria: ACMG Guidelines, 2015. Collection method: not provided. Allele origin: germline. Inheritance: Autosomal recessive inheritance. Affected: yes.

PreventionGenetics, part of Exact Sciences
Classification: Benign. Review status: criteria provided, single submitter. Criteria: ACMG Guidelines, 2015. Collection method: clinical testing. Allele origin: germline.

Clinical Genetics DNA and cytogenetics Diagnostics Lab, Erasmus MC, Erasmus Medical Center
Classification: Benign. Review status: no assertion criteria provided. Collection method: clinical testing. Allele origin: germline. Affected: yes. Study: VKGL Data-share Consensus. Not counted in ClinVar's aggregate classification.

Joint Genome Diagnostic Labs from Nijmegen and Maastricht, Radboudumc and MUMC+
Classification: Benign. Review status: no assertion criteria provided. Collection method: clinical testing. Allele origin: germline. Affected: yes. Study: VKGL Data-share Consensus. Not counted in ClinVar's aggregate classification.